The following is an entry in ClinVar:

ClinVar aggregate classification (germline): Uncertain significance (1 of 4 stars; one submission).

Allele frequency attached by ClinVar (database versions not stated): TOPMed 0.00002; gnomAD 0.00003; ESP Exome Variant Server 0.00015.
gnomAD v4.1: 4 of 1,604,684 alleles (0.00025%); highest among the groups gnomAD compares: African/African-American, 0.0054%; no homozygotes.

Submission:

Labcorp Genetics (formerly Invitae), Labcorp
Classification: Uncertain significance. Last evaluated: 2022-09-25. Review status: criteria provided, single submitter. Criteria: Invitae Variant Classification Sherloc (09022015). Collection method: clinical testing. Allele origin: germline.
Comment: This sequence change replaces proline, which is neutral and non-polar, with leucine, which is neutral and non-polar, at codon 2720 of the DCHS1 protein (p.Pro2720Leu). The frequency data for this variant in the population databases is considered unreliable, as metrics indicate poor data quality at this position in the gnomAD database. This variant has not been reported in the literature in individuals affected with DCHS1-related conditions. In summary, the available evidence is currently insufficient to determine the role of this variant in disease. Therefore, it has been classified as a Variant of Uncertain Significance. Advanced modeling of protein sequence and biophysical properties (such as structural, functional, and spatial information, amino acid conservation, physicochemical variation, residue mobility, and thermodynamic stability) performed at Invitae indicates that this missense variant is not expected to disrupt DCHS1 protein function.

NM_003737.4(DCHS1):c.8159C>T (p.Pro2720Leu)

Gene: DCHS1 (dachsous cadherin-related 1; minus strand). Cytogenetic location: 11p15.4.
Variant type: single nucleotide variant.
Coding change: c.8159C>T on transcript NM_003737.4 (MANE Select); coding-DNA position 8159, C replaced by T.
Protein change: p.Pro2720Leu; replaces proline 2720 with leucine.
Molecular consequence: missense variant.
Genome position (GRCh38, 1-based): chr11:6,623,517, G>A on the plus strand (C>T on the coding strand, the complement: DCHS1 is on the minus strand). VCF-style: chr11-6623517-G-A. GRCh37 (hg19) VCF-style: chr11-6644748-G-A.
Other names: short protein forms P2720L.
Identifiers: ClinVar variation 1914968 (VCV001914968.5), dbSNP rs141056372, ClinGen allele CA217329778.